The following is an entry in ClinVar:

NM_198253.3(TERT):c.416T>G (p.Leu139Arg)

Gene: TERT (telomerase reverse transcriptase; minus strand). Cytogenetic location: 5p15.33.
Variant type: single nucleotide variant.
Coding change: c.416T>G on transcript NM_198253.3 (MANE Select); coding-DNA position 416, T replaced by G.
Protein change: p.Leu139Arg; replaces leucine 139 with arginine.
Molecular consequence: missense variant. On other transcripts: non-coding transcript variant (2).
Genome position (GRCh38, 1-based): chr5:1,294,470, A>C on the plus strand (T>G on the coding strand, the complement: TERT is on the minus strand). VCF-style: chr5-1294470-A-C. GRCh37 (hg19) VCF-style: chr5-1294585-A-C.
Other names: p.Leu139Arg; c.416T>G, p.Leu139Arg (NM_001193376.3); short protein forms L139R.
Identifiers: ClinVar variation 665427 (VCV000665427.34), dbSNP rs1579598547, ClinGen allele CA359058073.

ClinVar aggregate classification (germline): Uncertain significance. Review status: criteria provided, single submitter (1 of 4 stars). 2 submissions from 2 submitters: Uncertain significance (1). 1 of the submissions does not count toward it. Last evaluated 2025-12-17.

Conditions:
Idiopathic Pulmonary Fibrosis. Also called: Idiopathic fibrosing alveolitis, chronic form; idiopathic fibrosing alveolitis. Identifiers: Orphanet 2032, MedGen C1800706, MeSH D054990, MONDO:0800504.
Dyskeratosis congenita, autosomal dominant 2. Identifiers: MedGen C3151443, MONDO:0013521, OMIM 613989.
Pulmonary fibrosis. Identifiers: MedGen C0034069, MONDO:0002771, HP:0002206.

Allele frequency attached by ClinVar (database versions not stated): TOPMed 0.00001.

Submissions (2):

Labcorp Genetics (formerly Invitae), Labcorp
Classification: Uncertain significance for Dyskeratosis congenita, autosomal dominant 2; Idiopathic Pulmonary Fibrosis. Last evaluated: 2025-12-17. Review status: criteria provided, single submitter. Criteria: Invitae Variant Classification Sherloc (09022015). Collection method: clinical testing. Allele origin: germline.
Comment: This sequence change replaces leucine, which is neutral and non-polar, with arginine, which is basic and polar, at codon 139 of the TERT protein (p.Leu139Arg). This variant is not present in population databases (gnomAD no frequency). This missense change has been observed in individual(s) with pulmonary fibrosis (PMID: 28192371). ClinVar contains an entry for this variant (Variation ID: 665427). Invitae Evidence Modeling of protein sequence and biophysical properties (such as structural, functional, and spatial information, amino acid conservation, physicochemical variation, residue mobility, and thermodynamic stability) indicates that this missense variant is expected to disrupt TERT protein function with a positive predictive value of 95%. In summary, the available evidence is currently insufficient to determine the role of this variant in disease. Therefore, it has been classified as a Variant of Uncertain Significance.

Garcia Pulmonary Genetics Research Laboratory, Columbia University Irving Medical Center
Classification: Likely risk allele for Pulmonary fibrosis. Last evaluated: 2022-06-09. Review status: no assertion criteria provided. Collection method: research. Allele origin: germline. Affected: yes. Not counted in ClinVar's aggregate classification.
Comment: Leukocyte telomere length (by qPCR) less than 10th percentile age-adjusted

Literature cited by the submitters: PubMed 28192371 (cited by Labcorp Genetics (formerly Invitae), Labcorp).